The following is an entry in ClinVar:

ClinVar aggregate classification (germline): Likely benign (1 of 4 stars; one submission).

gnomAD v4.1: 5,720 of 1,550,568 alleles (0.37%); highest among the groups gnomAD compares: Non-Finnish European, 0.43%; 16 homozygotes.

Submission:

CeGaT Center for Human Genetics Tuebingen
Classification: Likely benign. Last evaluated: 2026-01-01. Review status: criteria provided, single submitter. Criteria: CeGaT Center For Human Genetics Tuebingen Variant Classification Criteria Version 2. Collection method: clinical testing. Allele origin: germline. Affected: yes. Observed: 3 variant alleles.
Comment: MZT2B: BP4, BS2

NM_025029.5(MZT2B):c.319+1093C>T

Gene: MZT2B (mitotic spindle organizing protein 2B; plus strand). Cytogenetic location: 2q21.1.
Variant type: single nucleotide variant.
Coding change: c.319+1093C>T on transcript NM_025029.5 (MANE Select); 1093 bases into the intron after coding-DNA position 319, C replaced by T.
Molecular consequence: intron variant. On other transcripts: missense variant (1).
Genome position (GRCh38, 1-based): chr2:130,183,868, C>T. VCF-style: chr2-130183868-C-T. GRCh37 (hg19) VCF-style: chr2-130941441-C-T.
Other names: c.401C>T, p.Pro134Leu (NM_001330282.2); c.170+1416C>T (NM_001330284.2); short protein forms P134L.
Identifiers: ClinVar variation 4820829 (VCV004820829.4).